The following is an entry in ClinVar:

NM_012434.5(SLC17A5):c.*764G>A

Gene: SLC17A5 (solute carrier family 17 member 5; minus strand). Cytogenetic location: 6q13.
Variant type: single nucleotide variant.
Coding change: c.*764G>A on transcript NM_012434.5 (MANE Select); 764 bases downstream of the stop codon, G replaced by A.
Molecular consequence: 3 prime UTR variant.
Genome position (GRCh38, 1-based): chr6:73,594,313, C>T on the plus strand (G>A on the coding strand, the complement: SLC17A5 is on the minus strand). VCF-style: chr6-73594313-C-T. GRCh37 (hg19) VCF-style: chr6-74304036-C-T.
Identifiers: ClinVar variation 911549 (VCV000911549.4), dbSNP rs139964473, ClinGen allele CA140968329.

ClinVar aggregate classification (germline): Benign. Review status: criteria provided, single submitter (1 of 4 stars). 2 submissions from 1 submitter: Benign (2). Last evaluated 2018-01-12.

Conditions:
Sialic acid storage disease, severe infantile type (ISSD). Also called: Infantile Sialic Acid Storage Disease; N-ACETYLNEURAMINIC ACID STORAGE DISEASE; NANA STORAGE DISEASE; SIALURIA, INFANTILE FORM; Free sialic acid storage disease, infantile form; INFANTILE SIALIC ACID STORAGE DISORDER. Identifiers: Orphanet 309324, Orphanet 834, MedGen C1096902, MONDO:0010027, OMIM 269920.
Salla disease (SD). Also called: Sialuria, Finnish type; N-acetylneuraminic acid (NANA) storage disease (NSD); Infantile sialic acid storage disorder (ISSD); Less Severe FSASD (Salla Disease). Identifiers: Orphanet 309334, Orphanet 834, MedGen C1096903, MONDO:0011449, OMIM 604369.

Allele frequency attached by ClinVar (database versions not stated): TOPMed 0.00077; 1000 Genomes Project 30x 0.00328; 1000 Genomes Project 0.00339.

Submissions (2):

Illumina Laboratory Services, Illumina
Classification: Benign for Sialic acid storage disease, severe infantile type. Last evaluated: 2018-01-12. Review status: criteria provided, single submitter. Criteria: ICSL Variant Classification Criteria 13 December 2019. Collection method: clinical testing. Allele origin: germline.
Comment: This variant was observed in the ICSL laboratory as part of a predisposition screen in an ostensibly healthy population. It had not been previously curated by ICSL or reported in the Human Gene Mutation Database (HGMD: prior to June 1st, 2018), and was therefore a candidate for classification through an automated scoring system. Utilizing variant allele frequency, disease prevalence and penetrance estimates, and inheritance mode, an automated score was calculated to assess if this variant is too frequent to cause the disease. Based on the score and internal cut-off values, a variant classified as benign is not then subjected to further curation. The score for this variant resulted in a classification of benign for this disease.

Illumina Laboratory Services, Illumina
Classification: Benign for Salla disease. Last evaluated: 2018-01-12. Review status: criteria provided, single submitter. Criteria: ICSL Variant Classification Criteria 13 December 2019. Collection method: clinical testing. Allele origin: germline.
Comment: the same text as in the submission from Illumina Laboratory Services, Illumina above.